The following is an entry in ClinVar:

NM_000264.5(PTCH1):c.1334del (p.Gly445fs)

Gene: PTCH1 (patched 1; minus strand). Cytogenetic location: 9q22.32.
Variant type: Deletion.
Coding change: c.1334del on transcript NM_000264.5 (MANE Select); coding-DNA position 1334, one base deleted (G; older notation c.1334delG).
Protein change: p.Gly445fs; shifts the reading frame from glycine 445.
Molecular consequence: frameshift variant. On other transcripts: non-coding transcript variant (1).
Genome position (GRCh38, 1-based): chr9:95,478,068, C deleted on the plus strand (G on the coding strand, the reverse complement: PTCH1 is on the minus strand); the first of 2 consecutive C bases (chr9:95,478,068-95,478,069); deleting either gives the same sequence. VCF-style (leftmost placement, unchanged base first): chr9-95478067-GC-G. GRCh37 (hg19) VCF-style: chr9-98240349-GC-G.
Other names: c.1136del, p.Gly379fs (NM_001083602.3); c.1331del, p.Gly444fs (NM_001083603.3); c.881del, p.Gly294fs (NM_001083604.3, NM_001083605.3, NM_001083606.3 and 1 more transcripts); c.1334del, p.Gly445fs (NM_001354918.2); short protein forms G379fs, G294fs, G444fs, G445fs.
Identifiers: ClinVar variation 428828 (VCV000428828.12), dbSNP rs1131690978, ClinGen allele CA645369451.

ClinVar aggregate classification (germline): Pathogenic. Review status: criteria provided, multiple submitters, no conflicts (2 of 4 stars). 2 submissions from 2 submitters: Pathogenic (2). Last evaluated 2020-07-14.

Conditions:
Gorlin syndrome. Also called: Nevoid Basal Cell Carcinoma Syndrome; Basal cell nevus syndrome. Identifiers: Orphanet 377, MedGen C0004779, MONDO:0007187.
Hereditary cancer-predisposing syndrome. Also called: Hereditary neoplastic syndrome; Tumor predisposition; Neoplastic Syndromes, Hereditary; Hereditary Cancer Syndrome. Identifiers: Orphanet 140162, MedGen C0027672, MeSH D009386, MONDO:0015356.

Submissions (2):

Labcorp Genetics (formerly Invitae), Labcorp
Classification: Pathogenic for Gorlin syndrome. Last evaluated: 2020-07-14. Review status: criteria provided, single submitter. Criteria: Invitae Variant Classification Sherloc (09022015). Collection method: clinical testing. Allele origin: germline.
Comment: This variant is not present in population databases (ExAC no frequency). For these reasons, this variant has been classified as Pathogenic. Loss-of-function variants in PTCH1 are known to be pathogenic (PMID: 16301862, 16419085). This variant has not been reported in the literature in individuals with PTCH1-related conditions. ClinVar contains an entry for this variant (Variation ID: 428828). This sequence change creates a premature translational stop signal (p.Gly445Alafs*11) in the PTCH1 gene. It is expected to result in an absent or disrupted protein product.

Ambry Genetics
Classification: Pathogenic for Hereditary cancer-predisposing syndrome. Last evaluated: 2015-01-12. Review status: criteria provided, single submitter. Criteria: Ambry Variant Classification Scheme 2023. Collection method: clinical testing. Allele origin: germline.
Comment: The c.1334delG pathogenic mutation, located in coding exon 9 of the PTCH1 gene, results from a deletion of one nucleotide at position 1334, causing a translational frameshift with a predicted alternate stop codon. Since frameshifts are typically deleterious in nature, this alteration is interpreted as a disease-causing mutation (ACMG Recommendations for Standards for Interpretation and Reporting of Sequence Variations. Revision 2007. Genet Med. 2008;10:294).

Literature cited by the submitters: PubMed 16301862 (cited by Labcorp Genetics (formerly Invitae), Labcorp); PubMed 16419085 (cited by Labcorp Genetics (formerly Invitae), Labcorp).